The following is an entry in ClinVar:

ClinVar aggregate classification (germline): Conflicting classifications of pathogenicity. Review status: criteria provided, conflicting classifications (1 of 4 stars). 2 submissions from 2 submitters: Uncertain significance (1); Likely benign (1). Last evaluated 2023-06-15.

Conditions:
Hereditary cancer-predisposing syndrome. Also called: Tumor predisposition; Hereditary neoplastic syndrome; Neoplastic Syndromes, Hereditary; Hereditary Cancer Syndrome. Identifiers: Orphanet 140162, MedGen C0027672, MeSH D009386, MONDO:0015356.
DICER1-related tumor predisposition. Also called: DICER1 syndrome; DICER1-related pleuropulmonary blastoma cancer predisposition syndrome. Identifiers: Orphanet 284343, MedGen C3839822, MONDO:0100216.

Submissions (2):

Labcorp Genetics (formerly Invitae), Labcorp
Classification: Uncertain significance for DICER1-related tumor predisposition. Last evaluated: 2023-06-15. Review status: criteria provided, single submitter. Criteria: Invitae Variant Classification Sherloc (09022015). Collection method: clinical testing. Allele origin: germline.
Comment: In summary, the available evidence is currently insufficient to determine the role of this variant in disease. Therefore, it has been classified as a Variant of Uncertain Significance. Algorithms developed to predict the effect of missense changes on protein structure and function output the following: SIFT: "Not Available"; PolyPhen-2: "Benign"; Align-GVGD: "Not Available". The arginine amino acid residue is found in multiple mammalian species, which suggests that this missense change does not adversely affect protein function. ClinVar contains an entry for this variant (Variation ID: 940512). This variant has not been reported in the literature in individuals affected with DICER1-related conditions. This variant is not present in population databases (gnomAD no frequency). This sequence change replaces cysteine, which is neutral and slightly polar, with arginine, which is basic and polar, at codon 1621 of the DICER1 protein (p.Cys1621Arg).

Ambry Genetics
Classification: Likely benign for Hereditary cancer-predisposing syndrome. Last evaluated: 2021-11-03. Review status: criteria provided, single submitter. Criteria: Ambry Variant Classification Scheme 2023. Collection method: clinical testing. Allele origin: germline.

NM_177438.3(DICER1):c.4861T>C (p.Cys1621Arg)

Gene: DICER1 (dicer 1, ribonuclease III; minus strand). Cytogenetic location: 14q32.13.
Variant type: single nucleotide variant.
Coding change: c.4861T>C on transcript NM_177438.3 (MANE Select); coding-DNA position 4861, T replaced by C.
Protein change: p.Cys1621Arg; replaces cysteine 1621 with arginine.
Molecular consequence: missense variant.
Genome position (GRCh38, 1-based): chr14:95,096,059, A>G on the plus strand (T>C on the coding strand, the complement: DICER1 is on the minus strand). VCF-style: chr14-95096059-A-G. GRCh37 (hg19) VCF-style: chr14-95562396-A-G.
Other names: c.4861T>C, p.Cys1621Arg (NM_001195573.1, NM_001271282.3, NM_001291628.2 and 1 more transcripts); short protein forms C1621R.
Identifiers: ClinVar variation 940512 (VCV000940512.13), dbSNP rs1890292272, ClinGen allele CA390866671.